The following is an entry in ClinVar:

NM_022041.4(GAN):c.325G>C (p.Ala109Pro)

Gene: GAN (gigaxonin; plus strand). Cytogenetic location: 16q23.2.
Variant type: single nucleotide variant.
Coding change: c.325G>C on transcript NM_022041.4 (MANE Select); coding-DNA position 325, G replaced by C.
Protein change: p.Ala109Pro; replaces alanine 109 with proline.
Molecular consequence: missense variant. On other transcripts: 5 prime UTR variant (1).
Genome position (GRCh38, 1-based): chr16:81,354,447, G>C. VCF-style: chr16-81354447-G-C. GRCh37 (hg19) VCF-style: chr16-81388052-G-C.
Other names: c.-315G>C (NM_001377486.1); short protein forms A109P.
Identifiers: ClinVar variation 1524278 (VCV001524278.5), dbSNP rs1488932475, ClinGen allele CA396867422.

ClinVar aggregate classification (germline): Uncertain significance (1 of 4 stars; one submission).

Conditions:
Giant axonal neuropathy 1 (GAN1). Also called: GAN-Related Neurodegeneration; GIANT AXONAL NEUROPATHY 1, AUTOSOMAL RECESSIVE. Identifiers: Orphanet 643, MedGen C1850386, MONDO:0009749, OMIM 256850.

Allele frequency attached by ClinVar (database versions not stated): gnomAD exomes below 0.00001.
gnomAD v4.1: 6 of 1,613,828 alleles (0.00037%); highest among the groups gnomAD compares: Non-Finnish European, 0.00051%; no homozygotes.

Submission:

Labcorp Genetics (formerly Invitae), Labcorp
Classification: Uncertain significance for Giant axonal neuropathy 1. Last evaluated: 2021-08-30. Review status: criteria provided, single submitter. Criteria: Invitae Variant Classification Sherloc (09022015). Collection method: clinical testing. Allele origin: germline.
Comment: This sequence change replaces alanine with proline at codon 109 of the GAN protein (p.Ala109Pro). The alanine residue is highly conserved and there is a small physicochemical difference between alanine and proline. This variant is not present in population databases (ExAC no frequency). This variant has not been reported in the literature in individuals affected with GAN-related conditions. Algorithms developed to predict the effect of missense changes on protein structure and function are either unavailable or do not agree on the potential impact of this missense change (SIFT: "Deleterious"; PolyPhen-2: "Probably Damaging"; Align-GVGD: "Class C0"). In summary, the available evidence is currently insufficient to determine the role of this variant in disease. Therefore, it has been classified as a Variant of Uncertain Significance.